The following is an entry in ClinVar:

NM_000465.4(BARD1):c.1993G>A (p.Glu665Lys)

Gene: BARD1 (BRCA1 associated RING domain 1; minus strand). Cytogenetic location: 2q35.
Variant type: single nucleotide variant.
Coding change: c.1993G>A on transcript NM_000465.4 (MANE Select); coding-DNA position 1993, G replaced by A.
Protein change: p.Glu665Lys; replaces glutamic acid 665 with lysine.
Molecular consequence: missense variant. On other transcripts: non-coding transcript variant (3).
Genome position (GRCh38, 1-based): chr2:214,730,419, C>T on the plus strand (G>A on the coding strand, the complement: BARD1 is on the minus strand). VCF-style: chr2-214730419-C-T. GRCh37 (hg19) VCF-style: chr2-215595143-C-T.
Other names: c.1936G>A, p.Glu646Lys (NM_001282543.2); c.640G>A, p.Glu214Lys (NM_001282545.2); c.583G>A, p.Glu195Lys (NM_001282548.2); c.454G>A, p.Glu152Lys (NM_001282549.2); short protein forms E665K, E195K, E214K, E646K, E152K.
Identifiers: ClinVar variation 230393 (VCV000230393.6), dbSNP rs876658544, ClinGen allele CA10577771.

ClinVar aggregate classification (germline): Uncertain significance. Review status: criteria provided, multiple submitters, no conflicts (2 of 4 stars). 2 submissions from 2 submitters: Uncertain significance (2). Last evaluated 2024-03-20.

Conditions:
Hereditary cancer-predisposing syndrome. Also called: Neoplastic Syndromes, Hereditary; Tumor predisposition; Hereditary Cancer Syndrome; Hereditary neoplastic syndrome. Identifiers: Orphanet 140162, MedGen C0027672, MeSH D009386, MONDO:0015356.

Submissions (2):

Color Diagnostics, LLC DBA Color Health
Classification: Uncertain significance for Hereditary cancer-predisposing syndrome. Last evaluated: 2024-03-20. Review status: criteria provided, single submitter. Criteria: ACMG Guidelines, 2015. Collection method: clinical testing. Allele origin: germline.
Comment: This missense variant replaces glutamic acid with lysine at codon 665 of the BARD1 protein. Computational prediction suggests that this variant may not impact protein structure and function. To our knowledge, functional studies have not been reported for this variant. This variant was reported in a study examining the prevalence of mutations in breast cancer predisposition genes and it is unclear whether or not the individual carrying this variant was affected with breast cancer (PMID: 31871109). This variant has not been identified in the general population by the Genome Aggregation Database (gnomAD). The available evidence is insufficient to determine the role of this variant in disease conclusively. Therefore, this variant is classified as a Variant of Uncertain Significance.

Ambry Genetics
Classification: Uncertain significance for Hereditary cancer-predisposing syndrome. Last evaluated: 2019-09-27. Review status: criteria provided, single submitter. Criteria: Ambry Variant Classification Scheme 2023. Collection method: clinical testing. Allele origin: germline.
Comment: The p.E665K variant (also known as c.1993G>A), located in coding exon 10 of the BARD1 gene, results from a G to A substitution at nucleotide position 1993. The glutamic acid at codon 665 is replaced by lysine, an amino acid with similar properties. This amino acid position is well conserved in available vertebrate species. In addition, the in silico prediction for this alteration is inconclusive. Since supporting evidence is limited at this time, the clinical significance of this alteration remains unclear.

Literature cited by the submitters: PubMed 31871109 (cited by Color Diagnostics, LLC DBA Color Health).